The following is an entry in ClinVar:

NM_000051.4(ATM):c.1772A>G (p.Asn591Ser)

Gene: ATM (ATM serine/threonine kinase; plus strand). Cytogenetic location: 11q22.3.
Variant type: single nucleotide variant.
Coding change: c.1772A>G on transcript NM_000051.4 (MANE Select); coding-DNA position 1772, A replaced by G.
Protein change: p.Asn591Ser; replaces asparagine 591 with serine.
Molecular consequence: missense variant.
Genome position (GRCh38, 1-based): chr11:108,252,001, A>G. VCF-style: chr11-108252001-A-G. GRCh37 (hg19) VCF-style: chr11-108122728-A-G.
Other names: c.1772A>G, p.Asn591Ser (NM_001351834.2); short protein forms N591S.
Identifiers: ClinVar variation 420938 (VCV000420938.4), dbSNP rs1064794804, ClinGen allele CA16619127.

ClinVar aggregate classification (germline): Uncertain significance. Review status: criteria provided, multiple submitters, no conflicts (2 of 4 stars). 3 submissions from 3 submitters: Uncertain significance (3). Last evaluated 2025-07-28.

Conditions:
Hereditary cancer-predisposing syndrome. Also called: Hereditary neoplastic syndrome; Tumor predisposition; Neoplastic Syndromes, Hereditary; Hereditary Cancer Syndrome. Identifiers: Orphanet 140162, MedGen C0027672, MeSH D009386, MONDO:0015356.

Submissions (3):

Ambry Genetics
Classification: Uncertain significance for Hereditary cancer-predisposing syndrome. Last evaluated: 2025-07-28. Review status: criteria provided, single submitter. Criteria: Ambry Variant Classification Scheme 2023. Collection method: clinical testing. Allele origin: germline.
Comment: The p.N591S variant (also known as c.1772A>G), located in coding exon 10 of the ATM gene, results from an A to G substitution at nucleotide position 1772. The asparagine at codon 591 is replaced by serine, an amino acid with highly similar properties. This amino acid position is conserved. In addition, this alteration is predicted to be tolerated by in silico analysis. Based on the available evidence, the clinical significance of this variant remains unclear.

Sema4
Classification: Uncertain significance for Hereditary cancer-predisposing syndrome. Last evaluated: 2022-01-12. Review status: criteria provided, single submitter. Criteria: Sema4 Curation Guidelines. Collection method: curation. Allele origin: germline.
Comment: The ATM c.1772A>G (p.N591S) variant has not been reported in literature to our knowledge. This variant was not observed in the large and broad cohorts of the Genome Aggregation Database (PMID: 32461654). This variant has been reported in ClinVar (Variation ID: 420938). In silico tools suggest the impact of the variant on protein function is benign, though these predictions have not been confirmed by functional studies. The evidence is insufficient to meet ACMG/AMP criteria for classifying the variant as benign or pathogenic. Thus, the clinical significance of this variant is currently uncertain.

GeneDx
Classification: Uncertain significance. Last evaluated: 2016-04-14. Review status: criteria provided, single submitter. Criteria: GeneDx Variant Classification (06012015). Collection method: clinical testing. Allele origin: germline. Affected: yes.
Comment: This variant is denoted ATM c.1772A>G at the cDNA level, p.Asn591Ser (N591S) at the protein level, and results in the change of an Asparagine to a Serine (AAT>AGT). This variant has not, to our knowledge, been published in the literature as pathogenic or benign. ATM Asn591Ser was not observed in approximately 6,500 individuals of European and African American ancestry in the NHLBI Exome Sequencing Project, suggesting it is not a common benign variant in these populations. Since Asparagine and Serine share similar properties, this is considered a conservative amino acid substitution. ATM Asn591Ser occurs at a position that is not conserved and is not located in a known functional domain (Tavtigian 2009, Stracker 2013). In silico analyses predict that this variant is unlikely to alter protein structure or function. Based on currently available evidence, it is unclear whether ATM Asn591Ser is a pathogenic or benign variant. We consider it to be a variant of uncertain significance.